The following is an entry in ClinVar:

ClinVar aggregate classification (germline): Likely pathogenic (1 of 4 stars; one submission).

Conditions:
Neurofibromatosis type 1 due to NF1 mutation or intragenic deletion. Identifiers: Orphanet 363700, MedGen C5779636, MONDO:0018208.

Submission:

Clinical and Functional Genomics Group, A.C.Camargo Cancer Center
Classification: Likely pathogenic for Neurofibromatosis type 1 due to NF1 mutation or intragenic deletion. Last evaluated: 2025-09-03. Review status: criteria provided, single submitter. Criteria: CFGG ACC Assertion Criteria V1. Collection method: research. Allele origin: germline. Affected: yes.
Comment: The c.1155delT (p.Ile386fs) variant in exon 10 of the NF1 gene disrupts the reading frame and introduces a premature stop codon at the immediately following amino acid, predicted to result in nonsense-mediated mRNA decay (NMD). Loss-of-function is an established mechanism of pathogenicity for the NF1 gene (PMID: 23913538). To our knowledge, no functional studies have been performed to assess the impact of this variant on protein function. This variant is absent from gnomAD and has been reported in heterozygosity in a patient with high-grade leiomyosarcoma(PMID: 37536918). Based on the current evidence, this variant has been classified as likely pathogenic (PVS1, PM2_Supporting).

Literature cited by the submitters: PubMed 37536918.

NM_001042492.3(NF1):c.1155del (p.Arg385_Ile386insTer)

Gene: NF1 (neurofibromin 1; plus strand). Cytogenetic location: 17q11.2.
Variant type: Deletion.
Coding change: c.1155del on transcript NM_001042492.3 (MANE Select); coding-DNA position 1155, one base deleted (T; older notation c.1155delT).
Protein change: p.Arg385_Ile386insTer.
Molecular consequence: frameshift variant.
Genome position (GRCh38, 1-based): chr17:31,201,129, T deleted. VCF-style (leftmost placement, unchanged base first): chr17-31201128-GT-G. GRCh37 (hg19) VCF-style: chr17-29528146-GT-G.
Other names: c.1155del, p.Arg385_Ile386insTer (NM_000267.4, NM_001128147.3).
Identifiers: ClinVar variation 4279519 (VCV004279519.1).